The following is an entry in ClinVar:

NM_000271.5(NPC1):c.2297T>A (p.Leu766Ter)

Gene: NPC1 (NPC intracellular cholesterol transporter 1; minus strand). Cytogenetic location: 18q11.2.
Variant type: single nucleotide variant.
Coding change: c.2297T>A on transcript NM_000271.5 (MANE Select); coding-DNA position 2297, T replaced by A.
Protein change: p.Leu766Ter; replaces leucine 766 with a stop codon.
Molecular consequence: nonsense.
Genome position (GRCh38, 1-based): chr18:23,541,382, A>T on the plus strand (T>A on the coding strand, the complement: NPC1 is on the minus strand). VCF-style: chr18-23541382-A-T. GRCh37 (hg19) VCF-style: chr18-21121346-A-T.
Other names: short protein forms L766*.
Identifiers: ClinVar variation 1030709 (VCV001030709.1), dbSNP rs2058711607, ClinGen allele CA401793746.

ClinVar aggregate classification (germline): Pathogenic (1 of 4 stars; one submission).

Conditions:
Niemann-Pick disease, type C1. Also called: NEUROVISCERAL STORAGE DISEASE WITH VERTICAL SUPRANUCLEAR OPHTHALMOPLEGIA; NIEMANN-PICK DISEASE WITH CHOLESTEROL ESTERIFICATION BLOCK; NIEMANN-PICK DISEASE WITHOUT SPHINGOMYELINASE DEFICIENCY; NIEMANN-PICK DISEASE, CHRONIC NEURONOPATHIC FORM; NIEMANN-PICK DISEASE, VARIANT TYPE C1. Identifiers: Orphanet 646, MedGen C3179455, MONDO:0009757, OMIM 257220.

Submission:

Baylor Genetics
Classification: Pathogenic for Niemann-Pick disease, type C1. Last evaluated: 2019-10-29. Review status: criteria provided, single submitter. Criteria: ACMG Guidelines, 2015. Collection method: clinical testing. Allele origin: unknown. Affected: yes.
Comment: This variant was determined to be pathogenic according to ACMG Guidelines, 2015 [PMID:25741868].